The following is an entry in ClinVar:

NM_001846.4(COL4A2):c.829G>A (p.Glu277Lys)

Gene: COL4A2 (collagen type IV alpha 2 chain; plus strand). Cytogenetic location: 13q34.
Variant type: single nucleotide variant.
Coding change: c.829G>A on transcript NM_001846.4 (MANE Select); coding-DNA position 829, G replaced by A.
Protein change: p.Glu277Lys; replaces glutamic acid 277 with lysine.
Molecular consequence: missense variant.
Genome position (GRCh38, 1-based): chr13:110,438,005, G>A. VCF-style: chr13-110438005-G-A. GRCh37 (hg19) VCF-style: chr13-111090352-G-A.
Other names: short protein forms E277K.
Identifiers: ClinVar variation 1949184 (VCV001949184.6), dbSNP rs545624331, ClinGen allele CA7049137.

ClinVar aggregate classification (germline): Uncertain significance. Review status: criteria provided, multiple submitters, no conflicts (2 of 4 stars). 2 submissions from 2 submitters: Uncertain significance (2). Last evaluated 2022-04-11.

Allele frequency attached by ClinVar (database versions not stated): gnomAD exomes below 0.00001; gnomAD 0.00001; ExAC 0.00002; 1000 Genomes Project 30x 0.00016; 1000 Genomes Project 0.00020.
gnomAD v4.1: 6 of 1,612,818 alleles (0.00037%); highest among the groups gnomAD compares: East Asian, 0.0089%; no homozygotes.

Submissions (2):

Labcorp Genetics (formerly Invitae), Labcorp
Classification: Uncertain significance. Last evaluated: 2022-04-11. Review status: criteria provided, single submitter. Criteria: Invitae Variant Classification Sherloc (09022015). Collection method: clinical testing. Allele origin: germline.
Comment: In summary, the available evidence is currently insufficient to determine the role of this variant in disease. Therefore, it has been classified as a Variant of Uncertain Significance. Advanced modeling of protein sequence and biophysical properties (such as structural, functional, and spatial information, amino acid conservation, physicochemical variation, residue mobility, and thermodynamic stability) performed at Invitae indicates that this missense variant is not expected to disrupt COL4A2 protein function. This variant has not been reported in the literature in individuals affected with COL4A2-related conditions. This variant is present in population databases (rs545624331, gnomAD 0.01%). This sequence change replaces glutamic acid, which is acidic and polar, with lysine, which is basic and polar, at codon 277 of the COL4A2 protein (p.Glu277Lys).

Blueprint Genetics
Classification: Uncertain significance. Last evaluated: 2021-09-16. Review status: criteria provided, single submitter. Criteria: ACMG Guidelines, 2015. Collection method: clinical testing. Allele origin: germline.